The following is an entry in ClinVar:

NM_022437.3(ABCG8):c.295C>A (p.Gln99Lys)

Gene: ABCG8 (ATP binding cassette subfamily G member 8; plus strand). Cytogenetic location: 2p21.
Variant type: single nucleotide variant.
Coding change: c.295C>A on transcript NM_022437.3 (MANE Select); coding-DNA position 295, C replaced by A.
Protein change: p.Gln99Lys; replaces glutamine 99 with lysine.
Molecular consequence: missense variant.
Genome position (GRCh38, 1-based): chr2:43,846,284, C>A. VCF-style: chr2-43846284-C-A. GRCh37 (hg19) VCF-style: chr2-44073423-C-A.
Other names: c.295C>A, p.Gln99Lys (NM_001357321.2); short protein forms Q99K.
Identifiers: ClinVar variation 3992653 (VCV003992653.1).

ClinVar aggregate classification (germline): Uncertain significance (1 of 4 stars; one submission).

Conditions:
Cardiovascular phenotype. Identifiers: MedGen CN230736.

gnomAD v4.1: 2 of 1,614,068 alleles (0.00012%); highest among the groups gnomAD compares: East Asian, 0.0045%; no homozygotes.

Submission:

Ambry Genetics
Classification: Uncertain significance for Cardiovascular phenotype. Last evaluated: 2025-05-17. Review status: criteria provided, single submitter. Criteria: Ambry Variant Classification Scheme 2023. Collection method: clinical testing. Allele origin: germline.
Comment: The p.Q99K variant (also known as c.295C>A), located in coding exon 3 of the ABCG8 gene, results from a C to A substitution at nucleotide position 295. The glutamine at codon 99 is replaced by lysine, an amino acid with similar properties. This amino acid position is conserved. In addition, the in silico prediction for this alteration is inconclusive. Based on the available evidence, the clinical significance of this variant remains unclear.